The following is an entry in ClinVar:

NM_001556.3(IKBKB):c.1607G>A (p.Arg536Gln)

Gene: IKBKB (inhibitor of nuclear factor kappa B kinase subunit beta; plus strand). Cytogenetic location: 8p11.21.
Variant type: single nucleotide variant.
Coding change: c.1607G>A on transcript NM_001556.3 (MANE Select); coding-DNA position 1607, G replaced by A.
Protein change: p.Arg536Gln; replaces arginine 536 with glutamine.
Molecular consequence: missense variant. On other transcripts: non-coding transcript variant (3).
Genome position (GRCh38, 1-based): chr8:42,320,763, G>A. VCF-style: chr8-42320763-G-A. GRCh37 (hg19) VCF-style: chr8-42178281-G-A.
Other names: c.1415G>A, p.Arg472Gln (NM_001190720.3); c.1430G>A, p.Arg477Gln (NM_001242778.2); c.1607G>A (NM_001556.2); short protein forms R477Q, R536Q, R472Q.
Identifiers: ClinVar variation 1364998 (VCV001364998.8), dbSNP rs111715123, ClinGen allele CA4732062.

ClinVar aggregate classification (germline): Uncertain significance. Review status: criteria provided, multiple submitters, no conflicts (2 of 4 stars). 2 submissions from 2 submitters: Uncertain significance (2). Last evaluated 2026-05-11.

Conditions:
IKBKB-related disorder. Also called: IKBKB-related condition.
Severe combined immunodeficiency due to IKK2 deficiency. Also called: IMMUNODEFICIENCY 15B; Immunodeficiency 15. Identifiers: Orphanet 397787, MedGen C4747743, MONDO:0014267, OMIM 615592.

Allele frequency attached by ClinVar (database versions not stated): gnomAD 0.00001; TOPMed 0.00002; gnomAD exomes 0.00003; ExAC 0.00004.
gnomAD v4.1: 43 of 1,612,548 alleles (0.0027%); highest among the groups gnomAD compares: Non-Finnish European, 0.0032%; no homozygotes.

Submissions (2):

PreventionGenetics, part of Exact Sciences
Classification: Uncertain significance for IKBKB-related condition. Last evaluated: 2026-05-11. Review status: criteria provided, single submitter. Criteria: ACMG Guidelines, 2015. Collection method: clinical testing. Allele origin: germline.
Comment: The IKBKB c.1607G>A variant is predicted to result in the amino acid substitution p.Arg536Gln. To our knowledge, this variant has not been reported in the literature. This variant is reported in 0.0062% of alleles in individuals of European (Non-Finnish) descent in gnomAD. At this time, the clinical significance of this variant is uncertain due to the absence of conclusive functional and genetic evidence.

Labcorp Genetics (formerly Invitae), Labcorp
Classification: Uncertain significance for Severe combined immunodeficiency due to IKK2 deficiency. Last evaluated: 2025-11-19. Review status: criteria provided, single submitter. Criteria: Invitae Variant Classification Sherloc (09022015). Collection method: clinical testing. Allele origin: germline.
Comment: This sequence change replaces arginine, which is basic and polar, with glutamine, which is neutral and polar, at codon 536 of the IKBKB protein (p.Arg536Gln). This variant is present in population databases (rs111715123, gnomAD 0.006%). This variant has not been reported in the literature in individuals affected with IKBKB-related conditions. ClinVar contains an entry for this variant (Variation ID: 1364998). Invitae Evidence Modeling of protein sequence and biophysical properties (such as structural, functional, and spatial information, amino acid conservation, physicochemical variation, residue mobility, and thermodynamic stability) indicates that this missense variant is not expected to disrupt IKBKB protein function with a negative predictive value of 95%. In summary, the available evidence is currently insufficient to determine the role of this variant in disease. Therefore, it has been classified as a Variant of Uncertain Significance.